The following is an entry in ClinVar:

ClinVar aggregate classification (germline): Uncertain significance. Review status: criteria provided, multiple submitters, no conflicts (2 of 4 stars). 10 submissions from 10 submitters: Uncertain significance (8). 2 of the submissions do not count toward it. Last evaluated 2026-09-12.

Conditions:
Multiple endocrine neoplasia type 2A. Also called: MULTIPLE ENDOCRINE NEOPLASIA, TYPE IIA; PTC SYNDROME; SIPPLE SYNDROME; MEN 2A; MEN-2A syndrome; Pheochromocytoma and amyloid producing medullary thyroid carcinoma. Identifiers: Orphanet 247698, Orphanet 653, MedGen C0025268, MeSH D018813, MONDO:0008234, OMIM 171400.
Pheochromocytoma. Also called: MAX-Related Hereditary Paraganglioma-Pheochromocytoma Syndrome. Identifiers: Orphanet 29072, MedGen C0031511, MONDO:0008233, OMIM 171300, HP:0002666.
Familial medullary thyroid carcinoma (MTC). Also called: Thyroid cancer, familial medullary; MTC, familial; Familial Medullary Thyroid Carcinoma (FMTC). Identifiers: Orphanet 653, Orphanet 99361, MedGen C1833921, MONDO:0007958, OMIM 155240.
Multiple endocrine neoplasia type 2B. Also called: MEN 2B; Multiple endocrine neoplasia, type 3; MULTIPLE ENDOCRINE NEOPLASIA, TYPE IIB; MUCOSAL NEUROMA SYNDROME; NEUROMATA, MUCOSAL, WITH ENDOCRINE TUMORS; WAGENMANN-FROBOESE SYNDROME. Identifiers: Orphanet 247709, Orphanet 653, MedGen C0025269, MeSH D018814, MONDO:0008082, OMIM 162300.
Hirschsprung disease, susceptibility to, 1 (HSCR1). Also called: RET-Related Hirschsprung Disease. Identifiers: Orphanet 388, MedGen C3888239, MONDO:0007723, OMIM 142623.
RET-related disorder. Also called: RET-related condition; RET-related disease; RET-related disorders.
Hereditary cancer-predisposing syndrome. Also called: Neoplastic Syndromes, Hereditary; Tumor predisposition; Hereditary neoplastic syndrome; Hereditary Cancer Syndrome. Identifiers: Orphanet 140162, MedGen C0027672, MeSH D009386, MONDO:0015356.
Multiple endocrine neoplasia, type 2 (MEN2). Identifiers: Orphanet 653, MedGen C4048306, MONDO:0019003. Disease mechanism: gain of function.

Allele frequency attached by ClinVar (database versions not stated): gnomAD 0.00002; gnomAD exomes 0.00003 and 0.00012; TOPMed 0.00006; ExAC 0.00010.
gnomAD v4.1: 45 of 1,613,324 alleles (0.0028%); highest among the groups gnomAD compares: Admixed American, 0.05%; no homozygotes.

Submissions (10):

PreventionGenetics, part of Exact Sciences
Classification: Uncertain significance for RET-related condition. Last evaluated: 2026-09-12. Review status: criteria provided, single submitter. Criteria: ACMG Guidelines, 2015. Collection method: clinical testing. Allele origin: germline.
Comment: The RET c.938G>A variant is predicted to result in the amino acid substitution p.Arg313Gln. This variant has been reported in individuals with hirschsprung disease (Seri et al. 1997. PubMed ID: 9090527; So et al. 2011. PubMed ID: 22174939). This variant is reported in 0.076% of alleles in individuals of Latino descent in gnomAD and is interpreted as a variant of uncertain significance in ClinVar (Variation ID: 13932). A different nucleotide substitution affecting the same amino acid (p.Arg313Trp) has been reported in one individual with hirschsprung disease (Núñez-Torres et al. 2011. PubMed ID: 21995290). At this time, the clinical significance of the c.938G>A (p.Arg313Gln) variant is uncertain due to the absence of conclusive functional and genetic evidence.

Labcorp Genetics (formerly Invitae), Labcorp
Classification: Uncertain significance for Multiple endocrine neoplasia, type 2. Last evaluated: 2026-02-01. Review status: criteria provided, single submitter. Criteria: Invitae Variant Classification Sherloc (09022015). Collection method: clinical testing. Allele origin: germline.
Comment: This sequence change replaces arginine, which is basic and polar, with glutamine, which is neutral and polar, at codon 313 of the RET protein (p.Arg313Gln). This variant is present in population databases (rs77702891, gnomAD 0.08%), and has an allele count higher than expected for a pathogenic variant. This missense change has been observed in individual(s) with Hirschsprung disease (PMID: 9090527, 22174939, 29315604). ClinVar contains an entry for this variant (Variation ID: 13932). An algorithm developed to predict the effect of missense changes on protein structure and function (PolyPhen-2) suggests that this variant is likely to be tolerated. In summary, the available evidence is currently insufficient to determine the role of this variant in disease. Therefore, it has been classified as a Variant of Uncertain Significance.

GeneDx
Classification: Uncertain significance. Last evaluated: 2025-10-03. Review status: criteria provided, single submitter. Criteria: GeneDx Variant Classification Process June 2021. Collection method: clinical testing. Allele origin: germline.
Comment: Reported in the homozygous state in a patient with total colonic aganglionosis with small bowel involvement who underwent targeted testing of the RET gene; both parents of this individual were heterozygous for this variant and were reportedly healthy (PMID: 9090527); Also reported in a patient with short segment Hirschsprung disease, but it is unknown whether this individual was screened for variants in other genes associated with this phenotype (PMID: 22174939); In silico analysis suggests that this missense variant does not alter protein structure/function; This variant is associated with the following publications: (PMID: 21995290, 14633923, 22174939, 9090527)

Ambry Genetics
Classification: Uncertain significance for Hereditary cancer-predisposing syndrome. Last evaluated: 2025-03-25. Review status: criteria provided, single submitter. Criteria: Ambry Variant Classification Scheme 2023. Collection method: clinical testing. Allele origin: germline.
Comment: The p.R313Q variant (also known as c.938G>A), located in coding exon 5 of the RET gene, results from a G to A substitution at nucleotide position 938. The arginine at codon 313 is replaced by glutamine, an amino acid with highly similar properties. This alteration has also been reported in a cohort of 601 Chinese Hirschsprung disease patients (So MT et al. PLoS One. 2011 Dec;6:e28986). This amino acid position is well conserved in available vertebrate species. In addition, the in silico prediction for this alteration is inconclusive. Based on data from gnomAD, the frequency for this variant is above the maximum credible frequency for a multiple endocrine neoplasia type 2 (MEN2) disease-causing variant in this gene based on internally established thresholds (Karczewski et al. Nature. 2020 May;581(7809):434-443; Whiffin et al. Genet Med. 2017 10;19:1151-1158). Based on the supporting evidence, the association of this alteration with Hirschsprung disease is unknown; however, the association of this alteration with MEN2 is unlikely.

Quest Diagnostics Nichols Institute San Juan Capistrano
Classification: Uncertain significance. Last evaluated: 2024-12-03. Review status: criteria provided, single submitter. Criteria: Quest Diagnostics criteria. Collection method: clinical testing. Allele origin: unknown.

Fulgent Genetics
Classification: Uncertain significance for Hirschsprung disease, susceptibility to, 1; Familial medullary thyroid carcinoma; Multiple endocrine neoplasia type 2B; Pheochromocytoma; Multiple endocrine neoplasia type 2A. Last evaluated: 2024-03-19. Review status: criteria provided, single submitter. Criteria: ACMG Guidelines, 2015. Collection method: clinical testing. Allele origin: germline.

Color Diagnostics, LLC DBA Color Health
Classification: Uncertain significance for Multiple endocrine neoplasia, type 2. Last evaluated: 2023-12-06. Review status: criteria provided, single submitter. Criteria: ACMG Guidelines, 2015. Collection method: clinical testing. Allele origin: germline.
Comment: This missense variant replaces arginine with glutamine at codon 313 of the RET protein. Computational prediction is inconclusive regarding the impact of this variant on protein structure and function. To our knowledge, functional studies have not been reported for this variant. This variant has been reported in an individual with recurrent pheochromocytoma (PMID: 29315604) and in individuals affected with Hirschsprung disease (PMID: 9090527, 22174939). This variant has been identified in 30/248534 chromosomes in the general population by the Genome Aggregation Database (gnomAD). The available evidence is insufficient to determine the role of this variant in disease conclusively. Therefore, this variant is classified as a Variant of Uncertain Significance.

Myriad Genetics, Inc.
Classification: Uncertain significance for Multiple endocrine neoplasia type 2A. Last evaluated: 2023-04-18. Review status: criteria provided, single submitter. Criteria: Myriad Autosomal Dominant, Autosomal Recessive and X-Linked Classification Criteria (2023). Collection method: clinical testing. Allele origin: unknown.
Comment: This variant is classified as a variant of uncertain significance as there is insufficient evidence to determine its impact on protein function and/or cancer risk.

Counsyl
Classification: Uncertain significance for Multiple endocrine neoplasia type 2A. Last evaluated: 2017-07-27. Review status: no assertion criteria provided. Collection method: clinical testing. Allele origin: unknown. Not counted in ClinVar's aggregate classification.

OMIM
Classification: risk factor for HIRSCHSPRUNG DISEASE, SUSCEPTIBILITY TO, 1. Last evaluated: 1997-01-01. Review status: no assertion criteria provided. Collection method: literature only. Allele origin: germline. Not counted in ClinVar's aggregate classification.

Literature cited by the submitters: PubMed 9090527 (cited by 5 submitters); PubMed 22174939 (cited by 4 submitters); PubMed 29315604 (cited by Labcorp Genetics (formerly Invitae), Labcorp and Color Diagnostics, LLC DBA Color Health).

NM_020975.6(RET):c.938G>A (p.Arg313Gln)

Gene: RET (ret proto-oncogene; plus strand). Cytogenetic location: 10q11.21.
Variant type: single nucleotide variant.
Coding change: c.938G>A on transcript NM_020975.6 (MANE Select); coding-DNA position 938, G replaced by A.
Protein change: p.Arg313Gln; replaces arginine 313 with glutamine.
Molecular consequence: missense variant.
Genome position (GRCh38, 1-based): chr10:43,106,446, G>A. VCF-style: chr10-43106446-G-A. GRCh37 (hg19) VCF-style: chr10-43601894-G-A.
Other names: c.938G>A, p.Arg313Gln (NM_000323.2, NM_001406743.1, NM_001406744.1 and 6 more transcripts); c.176G>A, p.Arg59Gln (NM_001355216.2); c.809G>A, p.Arg270Gln (NM_001406761.1, NM_001406762.1, NM_001406764.1 and 1 more transcripts); c.650G>A, p.Arg217Gln (NM_001406766.1, NM_001406767.1, NM_001406770.1); short protein forms R313Q, R59Q, R217Q, R270Q.
Identifiers: ClinVar variation 13932 (VCV000013932.61), dbSNP rs77702891, ClinGen allele CA009384.